The following is an entry in ClinVar:

NM_000222.3(KIT):c.2920G>A (p.Asp974Asn)

Gene: KIT (KIT proto-oncogene, receptor tyrosine kinase; plus strand). Cytogenetic location: 4q12.
Variant type: single nucleotide variant.
Coding change: c.2920G>A on transcript NM_000222.3 (MANE Select); coding-DNA position 2920, G replaced by A.
Protein change: p.Asp974Asn; replaces aspartic acid 974 with asparagine.
Molecular consequence: missense variant.
Genome position (GRCh38, 1-based): chr4:54,738,546, G>A. VCF-style: chr4-54738546-G-A. GRCh37 (hg19) VCF-style: chr4-55604712-G-A.
Other names: c.2908G>A, p.Asp970Asn (NM_001093772.2, NM_001385292.1); c.2923G>A, p.Asp975Asn (NM_001385284.1); c.2917G>A, p.Asp973Asn (NM_001385285.1); c.2905G>A, p.Asp969Asn (NM_001385286.1); c.2911G>A, p.Asp971Asn (NM_001385288.1); c.2920G>A, p.Asp974Asn (NM_001385290.1); short protein forms D974N, D970N, D969N, D971N, D973N, D975N.
Identifiers: ClinVar variation 409715 (VCV000409715.22), dbSNP rs72549297, ClinGen allele CA2923902.
Genomic context (GRCh38, chr4:54,738,546, plus strand): 5'-TCTGTGCGGATCAATTCTGTCGGCAGCACCGCTTCCTCCTCCCAGCCTCTGCTTGTGCAC[G>A]ACGATGTCTGAGCAGAATCAGTGTTTGGGTCACCCCTCCAGGAATGATCTCTTCTTTTGG-3'
Protein context (NP_000213.1, residues 964-976): ASSSQPLLVH[Asp974Asn]DV

ClinVar aggregate classification (germline): Conflicting classifications of pathogenicity. Review status: criteria provided, conflicting classifications (1 of 4 stars). 8 submissions from 8 submitters: Uncertain significance (6); Benign (1); Likely benign (1). Last evaluated 2026-01-13.

Conditions:
KIT-related disorder. Also called: KIT-related condition.
Germ cell tumor of testis (TGCT). Also called: GERM CELL TUMOR, SOMATIC; Testicular germ cell tumor. Identifiers: Orphanet 363504, MedGen C1336708, MONDO:0010108, OMIM 273300.
Piebaldism. Also called: Piebald skin depigmentation. Identifiers: Orphanet 2884, MedGen C0080024, MONDO:0008244, OMIM 172800, HP:0007544.
Cutaneous mastocytosis. Also called: MASTOCYTOSIS, MACULOPAPULAR CUTANEOUS. Identifiers: Orphanet 66646, MedGen C1136033, MONDO:0019023, OMIM 154800, HP:0200151.
Gastrointestinal stromal tumor. Also called: Gastrointestinal stromal tumor, somatic; Gastrointestinal stroma tumor. Identifiers: Orphanet 44890, MedGen C0238198, MeSH D046152, MONDO:0011719, OMIM 606764, HP:0100723.
Acute myeloid leukemia (AML). Also called: Leukemia, acute myeloid, somatic; Leukemia, acute myelogenous, somatic; Acute myeloid leukemia, adult; AML adult; Acute non-lymphocytic leukemia; Acute granulocytic leukemia. Identifiers: Orphanet 519, MedGen C0023467, MeSH D015470, MONDO:0018874, OMIM 601626, HP:0004808. Disease mechanism: Constitutively activated FLT3.
Hereditary cancer-predisposing syndrome. Also called: Hereditary Cancer Syndrome; Tumor predisposition; Neoplastic Syndromes, Hereditary; Hereditary neoplastic syndrome. Identifiers: Orphanet 140162, MedGen C0027672, MeSH D009386, MONDO:0015356.

Allele frequency attached by ClinVar (database versions not stated): gnomAD exomes 0.00004 and 0.00007; gnomAD 0.00006 and 0.00007; ESP Exome Variant Server 0.00008; ExAC 0.00009; TOPMed 0.00009; 1000 Genomes Project 30x 0.00031; 1000 Genomes Project 0.00040.

Submissions (8):

Labcorp Genetics (formerly Invitae), Labcorp
Classification: Uncertain significance for Gastrointestinal stromal tumor. Last evaluated: 2026-01-13. Review status: criteria provided, single submitter. Criteria: Invitae Variant Classification Sherloc (09022015). Collection method: clinical testing. Allele origin: germline.
Comment: This sequence change replaces aspartic acid, which is acidic and polar, with asparagine, which is neutral and polar, at codon 974 of the KIT protein (p.Asp974Asn). The frequency data for this variant in the population databases is considered unreliable, as metrics indicate poor data quality at this position in the gnomAD database. This variant has not been reported in the literature in individuals affected with KIT-related conditions. ClinVar contains an entry for this variant (Variation ID: 409715). An algorithm developed to predict the effect of missense changes on protein structure and function (PolyPhen-2) suggests that this variant is likely to be tolerated. In summary, the available evidence is currently insufficient to determine the role of this variant in disease. Therefore, it has been classified as a Variant of Uncertain Significance.

GeneDx
Classification: Uncertain significance. Last evaluated: 2025-05-07. Review status: criteria provided, single submitter. Criteria: GeneDx Variant Classification Process June 2021. Collection method: clinical testing. Allele origin: germline. Affected: yes.
Comment: In silico analysis suggests that this missense variant does not alter protein structure/function; Has not been previously published as pathogenic or benign to our knowledge

PreventionGenetics, part of Exact Sciences
Classification: Likely benign for KIT-related condition. Last evaluated: 2024-12-17. Review status: criteria provided, single submitter. Criteria: ACMG Guidelines, 2015. Collection method: clinical testing. Allele origin: germline.
Comment: This variant is classified as likely benign based on ACMG/AMP sequence variant interpretation guidelines (Richards et al. 2015 PMID: 25741868, with internal and published modifications).

Ambry Genetics
Classification: Benign for Hereditary cancer-predisposing syndrome. Last evaluated: 2024-07-08. Review status: criteria provided, single submitter. Criteria: Ambry Variant Classification Scheme 2023. Collection method: clinical testing. Allele origin: germline.

Fulgent Genetics
Classification: Uncertain significance for Cutaneous mastocytosis; Piebaldism; Germ cell tumor of testis; Acute myeloid leukemia; Gastrointestinal stromal tumor. Last evaluated: 2024-05-05. Review status: criteria provided, single submitter. Criteria: ACMG Guidelines, 2015. Collection method: clinical testing. Allele origin: germline.

Baylor Genetics
Classification: Uncertain significance for Gastrointestinal stromal tumor. Last evaluated: 2024-01-20. Review status: criteria provided, single submitter. Criteria: ACMG Guidelines, 2015. Collection method: clinical testing. Allele origin: unknown.

St. Jude Molecular Pathology, St. Jude Children's Research Hospital
Classification: Uncertain significance for Gastrointestinal stromal tumor. Last evaluated: 2023-11-13. Review status: criteria provided, single submitter. Criteria: St. Jude Assertion Criteria 2020. Collection method: clinical testing. Allele origin: germline.
Comment: The KIT c.2920G>A (p.Asp974Asn) missense change has a maximum subpopulation frequency of 0.05% in gnomAD v2.1.1. The in silico tool REVEL is inconclusive about a pathogenic or benign effect of this variant on protein function, and to our knowledge functional studies have not been performed. To our knowledge, this variant has not been reported in individuals with KIT-related gastrointestinal stromal tumor. In summary, the evidence currently available is insufficient to determine the clinical significance of this variant. It has therefore been classified as of uncertain significance.

Sema4
Classification: Uncertain significance for Hereditary cancer-predisposing syndrome. Last evaluated: 2021-05-02. Review status: criteria provided, single submitter. Criteria: Sema4 Curation Guidelines. Collection method: curation. Allele origin: germline.
Comment: The KIT c.2920G>A (p.D974N) variant has not been reported in the literature to our knowledge. It was observed in 16/30616 chromosomes of the South Asian subpopulation, with one homozygote, in the Genome Aggregation Database. The variant has been reported in ClinVar (Variation ID 409715). In silico tools suggest the impact of the variant on protein function is inconclusive, though these predictions have not been confirmed by functional studies. The evidence is insufficient to meet ACMG/AMP criteria for classifying the variant as benign or pathogenic. Thus, the clinical significance of this variant is currently uncertain.